The following is an entry in ClinVar:

ClinVar aggregate classification (germline): Uncertain significance. Review status: criteria provided, multiple submitters, no conflicts (2 of 4 stars). 2 submissions from 2 submitters: Uncertain significance (2). Last evaluated 2024-08-14.

Conditions:
FG syndrome (FGS). Identifiers: MedGen C0220769, MONDO:0002010.

Submissions (2):

Blueprint Genetics
Classification: Uncertain significance. Last evaluated: 2024-08-14. Review status: criteria provided, single submitter. Criteria: ACMG Guidelines, 2015. Collection method: clinical testing. Allele origin: germline.

Labcorp Genetics (formerly Invitae), Labcorp
Classification: Uncertain significance for FG syndrome. Last evaluated: 2023-04-13. Review status: criteria provided, single submitter. Criteria: Invitae Variant Classification Sherloc (09022015). Collection method: clinical testing. Allele origin: germline.
Comment: In summary, the available evidence is currently insufficient to determine the role of this variant in disease. Therefore, it has been classified as a Variant of Uncertain Significance. Advanced modeling of protein sequence and biophysical properties (such as structural, functional, and spatial information, amino acid conservation, physicochemical variation, residue mobility, and thermodynamic stability) performed at Invitae indicates that this missense variant is not expected to disrupt MED12 protein function. This variant has not been reported in the literature in individuals affected with MED12-related conditions. This variant is not present in population databases (gnomAD no frequency). This sequence change replaces glycine, which is neutral and non-polar, with glutamic acid, which is acidic and polar, at codon 1244 of the MED12 protein (p.Gly1244Glu).

NM_005120.3(MED12):c.3731G>A (p.Gly1244Glu)

Gene: MED12 (mediator complex subunit 12; plus strand). Cytogenetic location: Xq13.1.
Variant type: single nucleotide variant.
Coding change: c.3731G>A on transcript NM_005120.3 (MANE Select); coding-DNA position 3731, G replaced by A.
Protein change: p.Gly1244Glu; replaces glycine 1244 with glutamic acid.
Molecular consequence: missense variant.
Genome position (GRCh38, 1-based): chrX:71,129,719, G>A. VCF-style: chrX-71129719-G-A. GRCh37 (hg19) VCF-style: chrX-70349569-G-A.
Other names: short protein forms G1244E.
Identifiers: ClinVar variation 2855860 (VCV002855860.4), dbSNP rs1448832950, ClinGen allele CA413522116.